The following is an entry in ClinVar:

NM_004360.5(CDH1):c.12G>A (p.Trp4Ter)

Gene: CDH1 (cadherin 1; plus strand). Cytogenetic location: 16q22.1.
Variant type: single nucleotide variant.
Coding change: c.12G>A on transcript NM_004360.5 (MANE Select); coding-DNA position 12, G replaced by A.
Protein change: p.Trp4Ter; replaces tryptophan 4 with a stop codon.
Molecular consequence: nonsense. On other transcripts: 5 prime UTR variant (2).
Genome position (GRCh38, 1-based): chr16:68,737,427, G>A. VCF-style: chr16-68737427-G-A. GRCh37 (hg19) VCF-style: chr16-68771330-G-A.
Other names: NM_004360.5(CDH1):c.12G>A; c.12G>A (LRG_301t1); c.12G>A, p.Trp4Ter (NM_001317184.2); c.-1604G>A (NM_001317185.2); c.-1808G>A (NM_001317186.2); short protein forms W4*.
Identifiers: ClinVar variation 548782 (VCV000548782.15), dbSNP rs1555509636, ClinGen allele CA396451249.

ClinVar aggregate classification (germline): Pathogenic. Review status: reviewed by expert panel (3 of 4 stars). 7 submissions from 7 submitters: Pathogenic (1). 6 of the submissions do not count toward it. Last evaluated 2023-08-04.

Conditions:
Hereditary cancer-predisposing syndrome. Also called: Neoplastic Syndromes, Hereditary; Tumor predisposition; Hereditary Cancer Syndrome; Hereditary neoplastic syndrome. Identifiers: Orphanet 140162, MedGen C0027672, MeSH D009386, MONDO:0015356.
CDH1-related diffuse gastric and lobular breast cancer syndrome. Also called: CDH1-related diffuse gastric and lobular breast cancer. Identifiers: MedGen CN311521, MONDO:0100488.
Hereditary diffuse gastric adenocarcinoma (HDGC). Also called: DIFFUSE GASTRIC AND LOBULAR BREAST CANCER SYNDROME. Identifiers: Orphanet 26106, MedGen C1708349, MONDO:0007648, OMIM 137215.

Submissions (7):

Clingen Gastric Cancer Variant Curation Expert Panel
Classification: Pathogenic for CDH1-related diffuse gastric and lobular breast cancer syndrome. Last evaluated: 2023-08-04. Review status: reviewed by expert panel. Criteria: ClinGen CDH1 ACMG Specifications V3.1. Collection method: curation. Allele origin: germline. Inheritance: Autosomal dominant inheritance.
Comment: The c.12G>A (p.Trp4Ter) variant is predicted to result in a premature stop codon that leads to nonsense mediate decay (PVS1 and PM5_supporting). The variant is absent in the gnomAD cohort (PM2_supporting). Therefore, this variant meets criteria to be classified as pathogenic based on the ACMG/AMP criteria applied as specified by the CDH1 Variant Curation Expert Panel (CDH1 VCEP specifications version 3.1): PVS1, PM2_supporting, PM5_supporting.

Labcorp Genetics (formerly Invitae), Labcorp
Classification: Pathogenic for Hereditary diffuse gastric adenocarcinoma. Last evaluated: 2025-04-22. Review status: criteria provided, single submitter. Criteria: Invitae Variant Classification Sherloc (09022015). Collection method: clinical testing. Allele origin: germline. Not counted in ClinVar's aggregate classification.
Comment: This sequence change creates a premature translational stop signal (p.Trp4*) in the CDH1 gene. It is expected to result in an absent or disrupted protein product. Loss-of-function variants in CDH1 are known to be pathogenic (PMID: 15235021, 20373070). This variant is not present in population databases (gnomAD no frequency). This premature translational stop signal has been observed in individual(s) with CDH1-related conditions (PMID: 26022348). ClinVar contains an entry for this variant (Variation ID: 548782). For these reasons, this variant has been classified as Pathogenic.

Variantyx, Inc.
Classification: Pathogenic for Hereditary diffuse gastric adenocarcinoma. Last evaluated: 2025-04-22. Review status: criteria provided, single submitter. Criteria: Variantyx Assertion Criteria 2022. Collection method: clinical testing. Allele origin: germline. Inheritance: Autosomal dominant inheritance. Affected: no. Not counted in ClinVar's aggregate classification.
Comment: This is a nonsense variant in the CDH1 gene (OMIM: 192090). Pathogenic variants in this gene have been associated with autosomal dominant diffuse gastric and lobular breast cancer syndrome with or without cleft lip and/or palate. This variant results in loss of the initiation regionand is expected to result in loss of function, which is a known disease mechanism for CDH1 in this disorder (PMID: 15831593, 36246616) (PVS1). It has been reported in the heterozygous state in an affected individual (PMID: 26022348), but it is absent from control populations (PM2). Other reputable laboratories have reported this variant as pathogenic or likely pathogenic, and this classification has been validated by an expert panel in ClinVar (PP5). Based on the current evidence, this variant is classified as pathogenic for autosomal dominant diffuse gastric and lobular breast cancer syndrome with or without cleft lip and/or palate.

Myriad Genetics, Inc.
Classification: Pathogenic for Hereditary diffuse gastric adenocarcinoma. Last evaluated: 2024-08-27. Review status: criteria provided, single submitter. Criteria: Myriad Autosomal Dominant, Autosomal Recessive and X-Linked Classification Criteria (2023). Collection method: clinical testing. Allele origin: unknown. Not counted in ClinVar's aggregate classification.
Comment: This variant is considered pathogenic. This variant creates a termination codon and is predicted to result in premature protein truncation.

Ambry Genetics
Classification: Pathogenic for Hereditary cancer-predisposing syndrome. Last evaluated: 2024-07-18. Review status: criteria provided, single submitter. Criteria: Ambry Variant Classification Scheme 2023. Collection method: clinical testing. Allele origin: germline. Not counted in ClinVar's aggregate classification.
Comment: The p.W4* variant (also known as c.12G>A), located in coding exon 1 of the CDH1 gene, results from a G to A substitution at nucleotide position 12. This changes the amino acid from a tryptophan to a stop codon within coding exon 1. This alteration was identified in an individual at risk for hereditary cancer referred for multigene panel testing (Schroeder C et al. Breast Cancer Res. Treat. 2015 Jul;152(1):129-136). The predicted stop codon for this alteration occurs within the first 150 nucleotides of the CDH1 gene. Therefore, this alteration may escape nonsense-mediated mRNA decay and/or be rescued by reinitiation (Rivas et al. Science. 2015 May 8;348(6235):666-9; Lindeboom et al. Nat Genet. 2016 Oct;48(10):1112-8; Rhee et al. Sci Rep. 2017 May 10;7(1):1653). However, the impacted region is critical for protein function (van Roy F et al. Cell. Mol. Life Sci. 2008 Nov;65(23):3756-88; Shapiro L et al. Cold Spring Harb Perspect Biol 2009 Sep;1(3):a003053; Ambry internal data). Based on the supporting evidence, this alteration is interpreted as a disease-causing mutation.

Color Diagnostics, LLC DBA Color Health
Classification: Pathogenic for Hereditary cancer-predisposing syndrome. Last evaluated: 2023-05-09. Review status: criteria provided, single submitter. Criteria: ACMG Guidelines, 2015. Collection method: clinical testing. Allele origin: germline. Not counted in ClinVar's aggregate classification.
Comment: This variant changes 1 nucleotide in exon 1 of the CDH1 gene, creating a premature translation stop signal. This variant is expected to disrupt the signal sequence of the protein and result in an absent or non-functional protein product. To our knowledge, this variant has been reported in an individual with a high-risk family profile indicative for hereditary breast and ovarian cancer (PMID: 26022348). This variant has not been identified in the general population by the Genome Aggregation Database (gnomAD). Loss of CDH1 function is a known mechanism of disease. Based on the available evidence, this variant is classified as Pathogenic.

Counsyl
Classification: Likely pathogenic for Hereditary diffuse gastric adenocarcinoma. Last evaluated: 2017-08-29. Review status: no assertion criteria provided. Collection method: clinical testing. Allele origin: unknown. Not counted in ClinVar's aggregate classification.

Literature cited by the submitters: PubMed 15235021 (cited by Labcorp Genetics (formerly Invitae), Labcorp); PubMed 20373070 (cited by Labcorp Genetics (formerly Invitae), Labcorp); PubMed 26022348 (cited by 4 submitters); PubMed 15831593 (cited by Variantyx, Inc.); PubMed 36246616 (cited by Variantyx, Inc.).